The following is an entry in ClinVar:

ClinVar aggregate classification (germline): Uncertain significance (1 of 4 stars; one submission).

Submission:

CeGaT Center for Human Genetics Tuebingen
Classification: Uncertain significance. Last evaluated: 2022-06-01. Review status: criteria provided, single submitter. Criteria: CeGaT Center For Human Genetics Tuebingen Variant Classification Criteria Version 2. Collection method: clinical testing. Allele origin: germline. Affected: yes. Observed: 1 variant allele.
Comment: MBD5: PM2

NM_001378120.1(MBD5):c.1291T>C (p.Ser431Pro)

Gene: MBD5 (methyl-CpG binding domain protein 5; plus strand). Cytogenetic location: 2q23.1.
Variant type: single nucleotide variant.
Coding change: c.1291T>C on transcript NM_001378120.1 (MANE Select); coding-DNA position 1291, T replaced by C.
Protein change: p.Ser431Pro; replaces serine 431 with proline.
Molecular consequence: missense variant.
Genome position (GRCh38, 1-based): chr2:148,469,234, T>C. VCF-style: chr2-148469234-T-C. GRCh37 (hg19) VCF-style: chr2-149226803-T-C.
Other names: c.1291T>C, p.Ser431Pro (NM_018328.5); short protein forms S431P.
Identifiers: ClinVar variation 2651409 (VCV002651409.24), dbSNP rs2469863489, ClinGen allele CA348719388.